The following is an entry in ClinVar:

NM_177438.3(DICER1):c.1303C>G (p.Pro435Ala)

Gene: DICER1 (dicer 1, ribonuclease III; minus strand). Cytogenetic location: 14q32.13.
Variant type: single nucleotide variant.
Coding change: c.1303C>G on transcript NM_177438.3 (MANE Select); coding-DNA position 1303, C replaced by G.
Protein change: p.Pro435Ala; replaces proline 435 with alanine.
Molecular consequence: missense variant. On other transcripts: 5 prime UTR variant (1), non-coding transcript variant (6).
Genome position (GRCh38, 1-based): chr14:95,124,269, G>C on the plus strand (C>G on the coding strand, the complement: DICER1 is on the minus strand). VCF-style: chr14-95124269-G-C. GRCh37 (hg19) VCF-style: chr14-95590606-G-C.
Other names: c.1303C>G, p.Pro435Ala (NM_001195573.1, NM_001271282.3, NM_001291628.2 and 14 more transcripts); c.898C>G, p.Pro300Ala (NM_001395696.1, NM_001395698.1, NM_001395687.1 and 3 more transcripts); c.-266C>G (NM_001395697.1); c.1021C>G, p.Pro341Ala (NM_001395686.1); c.736C>G, p.Pro246Ala (NM_001395691.1); short protein forms P246A, P300A, P341A, P435A.
Identifiers: ClinVar variation 4869815 (VCV004869815.1).

ClinVar aggregate classification (germline): Uncertain significance (1 of 4 stars; one submission).

Conditions:
Hereditary cancer-predisposing syndrome. Also called: Neoplastic Syndromes, Hereditary; Tumor predisposition; Hereditary Cancer Syndrome; Hereditary neoplastic syndrome. Identifiers: Orphanet 140162, MedGen C0027672, MeSH D009386, MONDO:0015356.

Submission:

Ambry Genetics
Classification: Uncertain significance for Hereditary cancer-predisposing syndrome. Last evaluated: 2026-06-14. Review status: criteria provided, single submitter. Criteria: Ambry Variant Classification Scheme 2023. Collection method: clinical testing. Allele origin: germline.
Comment: The p.P435A variant (also known as c.1303C>G), located in coding exon 7 of the DICER1 gene, results from a C to G substitution at nucleotide position 1303. The proline at codon 435 is replaced by alanine, an amino acid with highly similar properties. This amino acid position is conserved. In addition, the in silico prediction for this alteration is inconclusive. Based on the available evidence, the clinical significance of this variant remains unclear.